The following is an entry in ClinVar:

ClinVar aggregate classification (germline): Pathogenic (1 of 4 stars; one submission).

Conditions:
Autosomal recessive hypohidrotic ectodermal dysplasia syndrome. Also called: Autosomal recessive hypohidrotic ectodermal dysplasia. Identifiers: Orphanet 248, MedGen C0406702, MONDO:0016619.
Ectodermal dysplasia 10A, hypohidrotic/hair/nail type, autosomal dominant (ECTD10A). Also called: Ectodermal Dysplasia 3, Anhidrotic. Identifiers: Orphanet 1810, Orphanet 238468, MedGen C3888065, MONDO:0007509, OMIM 129490.

Allele frequency attached by ClinVar (database versions not stated): gnomAD 0.00001.
gnomAD v4.1: 1 of 1,613,536 alleles (0.000062%); highest among the groups gnomAD compares: African/African-American, 0.0013%; no homozygotes.

Submission:

Labcorp Genetics (formerly Invitae), Labcorp
Classification: Pathogenic for Ectodermal dysplasia 10A, hypohidrotic/hair/nail type, autosomal dominant; Autosomal recessive hypohidrotic ectodermal dysplasia syndrome. Last evaluated: 2019-05-21. Review status: criteria provided, single submitter. Criteria: Invitae Variant Classification Sherloc (09022015). Collection method: clinical testing. Allele origin: germline.
Comment: Algorithms developed to predict the effect of sequence changes on RNA splicing suggest that this variant may create or strengthen a splice site, but this prediction has not been confirmed by published transcriptional studies. This variant has not been reported in the literature in individuals with EDAR-related disease. ClinVar contains an entry for this variant (Variation ID: 569147). Loss-of-function variants in EDAR are known to be pathogenic (PMID: 10431241, 20979233). For these reasons, this variant has been classified as Pathogenic. This sequence change creates a premature translational stop signal (p.Glu311*) in the EDAR gene. It is expected to result in an absent or disrupted protein product. This variant is not present in population databases (ExAC no frequency).

Literature cited by the submitters: PubMed 10431241; PubMed 20979233.

NM_022336.4(EDAR):c.931G>T (p.Glu311Ter)

Genes: EDAR (ectodysplasin A receptor; minus strand), RANBP2 (RAN binding protein 2; plus strand). Cytogenetic location: 2q13.
Variant type: single nucleotide variant.
Coding change: c.931G>T on transcript NM_022336.4 (MANE Select); coding-DNA position 931, G replaced by T.
Protein change: p.Glu311Ter; replaces glutamic acid 311 with a stop codon.
Molecular consequence: nonsense.
Genome position (GRCh38, 1-based): chr2:108,907,892, C>A on the plus strand (G>T on the coding strand, the complement: EDAR is on the minus strand). VCF-style: chr2-108907892-C-A. GRCh37 (hg19) VCF-style: chr2-109524348-C-A.
Other names: short protein forms E311*.
Identifiers: ClinVar variation 569147 (VCV000569147.9), dbSNP rs1432041144, ClinGen allele CA348050804.